The following is an entry in ClinVar:

NM_022455.5(NSD1):c.5509G>C (p.Ala1837Pro)

Genes: NSD1 (nuclear receptor binding SET domain protein 1; plus strand), LOC126807619 (MED14-independent group 3 enhancer GRCh37_chr5:176696443-176697642; plus strand). Cytogenetic location: 5q35.3.
Variant type: single nucleotide variant.
Coding change: c.5509G>C on transcript NM_022455.5 (MANE Select); coding-DNA position 5509, G replaced by C.
Protein change: p.Ala1837Pro; replaces alanine 1837 with proline.
Molecular consequence: missense variant.
Genome position (GRCh38, 1-based): chr5:177,269,807, G>C. VCF-style: chr5-177269807-G-C. GRCh37 (hg19) VCF-style: chr5-176696808-G-C.
Other names: c.4747G>C, p.Ala1583Pro (NM_001409307.1, NM_001409306.1); c.4636G>C, p.Ala1546Pro (NM_001409308.1, NM_001409309.1, NM_172349.5 and 1 more transcripts); c.5509G>C, p.Ala1837Pro (NM_001409301.1, NM_001409302.1, NM_001409303.1); c.5089G>C, p.Ala1697Pro (NM_001409304.1); c.4756G>C, p.Ala1586Pro (NM_001409305.1); short protein forms A1697P, A1586P, A1837P, A1546P, A1583P.
Identifiers: ClinVar variation 3720670 (VCV003720670.2).

ClinVar aggregate classification (germline): Pathogenic (1 of 4 stars; one submission).

Submission:

Labcorp Genetics (formerly Invitae), Labcorp
Classification: Pathogenic. Last evaluated: 2023-10-18. Review status: criteria provided, single submitter. Criteria: Invitae Variant Classification Sherloc (09022015). Collection method: clinical testing. Allele origin: germline.
Comment: This sequence change replaces alanine, which is neutral and non-polar, with proline, which is neutral and non-polar, at codon 1837 of the NSD1 protein (p.Ala1837Pro). RNA analysis indicates that this missense change induces altered splicing and may result in an absent or disrupted protein product. This variant is not present in population databases (gnomAD no frequency). This missense change has been observed in individual(s) with Sotos syndrome (PMID: 15742365). In at least one individual the variant was observed to be de novo. An algorithm developed to predict the effect of missense changes on protein structure and function (PolyPhen-2) suggests that this variant is likely to be disruptive. Variants that disrupt the consensus splice site are a relatively common cause of aberrant splicing (PMID: 17576681, 9536098). Studies have shown that this missense change results in skipping of exon 16 and introduces a premature termination codon (PMID: 15742365). The resulting mRNA is expected to undergo nonsense-mediated decay. For these reasons, this variant has been classified as Pathogenic.

Literature cited by the submitters: PubMed 15742365; PubMed 17576681; PubMed 9536098.